The following is an entry in ClinVar:

NM_000135.4(FANCA):c.*250G>A

Genes: ZNF276 (zinc finger protein 276; plus strand), FANCA (FA complementation group A; minus strand). Cytogenetic location: 16q24.3.
Variant type: single nucleotide variant.
Coding change: c.*250G>A on transcript NM_000135.4 (MANE Select); 250 bases downstream of the stop codon, G replaced by A.
Molecular consequence: 3 prime UTR variant. On other transcripts: non-coding transcript variant (4).
Genome position (GRCh38, 1-based): chr16:89,738,351, C>T on the plus strand (G>A on the coding strand, the complement: FANCA is on the minus strand). VCF-style: chr16-89738351-C-T. GRCh37 (hg19) VCF-style: chr16-89804759-C-T.
Other names: c.*347G>A (NM_001286167.3); c.*105C>T (NM_001113525.2, NM_152287.4).
Identifiers: ClinVar variation 974275 (VCV000974275.2), dbSNP rs557319516, ClinGen allele CA286613337.

ClinVar aggregate classification (germline): Uncertain significance (0 of 4 stars; one submission).

Conditions:
Fanconi anemia complementation group A (FANCA). Also called: Fanconi anemia, group A; FANCA-Related Fanconi Anemia. Identifiers: Orphanet 84, MedGen C3469521, MONDO:0009215, OMIM 227650.

Allele frequency attached by ClinVar (database versions not stated): gnomAD exomes 0.00002; TOPMed 0.00009; gnomAD 0.00013 and 0.00014; 1000 Genomes Project 30x 0.00031; 1000 Genomes Project 0.00040.
gnomAD v4.1: 52 of 1,476,986 alleles (0.0035%); highest among the groups gnomAD compares: African/African-American, 0.036%; no homozygotes.

Submission:

Leiden Open Variation Database
Classification: Uncertain significance for Fanconi anemia complementation group A. Last evaluated: 2020-02-28. Review status: no assertion criteria provided. Collection method: curation. Allele origin: germline. Affected: yes.
Comment: Curator: Arleen D. Auerbach. Submitter to LOVD: Nikoletta Selenti.